The following is an entry in ClinVar:

ClinVar aggregate classification (germline): Uncertain significance (1 of 4 stars; one submission).

Submission:

Greenwood Genetic Center Diagnostic Laboratories, Greenwood Genetic Center
Classification: Uncertain significance. Last evaluated: 2023-07-07. Review status: criteria provided, single submitter. Criteria: ACMG Guidelines, 2015. Collection method: clinical testing. Allele origin: germline. Affected: yes.
Comment: PM2

NM_007192.4(SUPT16H):c.1222C>T (p.Leu408Phe)

Gene: SUPT16H (SPT16 homolog, facilitates chromatin remodeling subunit; minus strand). Cytogenetic location: 14q11.2.
Variant type: single nucleotide variant.
Coding change: c.1222C>T on transcript NM_007192.4 (MANE Select); coding-DNA position 1222, C replaced by T.
Protein change: p.Leu408Phe; replaces leucine 408 with phenylalanine.
Molecular consequence: missense variant.
Genome position (GRCh38, 1-based): chr14:21,364,838, G>A on the plus strand (C>T on the coding strand, the complement: SUPT16H is on the minus strand). VCF-style: chr14-21364838-G-A. GRCh37 (hg19) VCF-style: chr14-21832997-G-A.
Other names: short protein forms L408F.
Identifiers: ClinVar variation 2626926 (VCV002626926.1), dbSNP rs2501764868, ClinGen allele CA388867438.
Genomic context (GRCh38, chr14:21,364,838, plus strand): 5'-CCTCAGAAGTTAGTTCATGAAGACTCCAAAGTTTAGACACAATACACACCTCATCCACAA[G>A]CACTGTGTCACCAATGAACAGGGCATAGGTTTTCTCTTCTGGCTTTTTCCCCTCCTTGTT-3'
Protein context (NP_009123.1, residues 398-418): TYALFIGDTV[Leu408Phe]VDEDGPATVL